The following is an entry in ClinVar:

NM_001379500.1(COL18A1):c.1610C>T (p.Pro537Leu)

Gene: COL18A1 (collagen type XVIII alpha 1 chain; plus strand). Cytogenetic location: 21q22.3.
Variant type: single nucleotide variant.
Coding change: c.1610C>T on transcript NM_001379500.1 (MANE Select); coding-DNA position 1610, C replaced by T.
Protein change: p.Pro537Leu; replaces proline 537 with leucine.
Molecular consequence: missense variant.
Genome position (GRCh38, 1-based): chr21:45,480,857, C>T. VCF-style: chr21-45480857-C-T. GRCh37 (hg19) VCF-style: chr21-46900771-C-T.
Other names: c.2150C>T, p.Pro717Leu (NM_030582.4); c.2855C>T, p.Pro952Leu (NM_130444.3); c.2150C>T (NM_030582.3); short protein forms P537L, P717L, P952L.
Identifiers: ClinVar variation 1366040 (VCV001366040.5), dbSNP rs750422215, ClinGen allele CA10066400.

ClinVar aggregate classification (germline): Uncertain significance. Review status: criteria provided, multiple submitters, no conflicts (2 of 4 stars). 2 submissions from 2 submitters: Uncertain significance (2). Last evaluated 2025-09-02.

Conditions:
COL18A1-related disorder. Also called: COL18A1-related disorders; COL18A1-related condition.

Allele frequency attached by ClinVar (database versions not stated): gnomAD 0.00001 and 0.00002; gnomAD exomes 0.00001 and 0.00003; ExAC 0.00002; TOPMed 0.00002.
gnomAD v4.1: 18 of 1,609,798 alleles (0.0011%); highest among the groups gnomAD compares: East Asian, 0.0067%; 1 homozygote.

Submissions (2):

Labcorp Genetics (formerly Invitae), Labcorp
Classification: Uncertain significance. Last evaluated: 2025-09-02. Review status: criteria provided, single submitter. Criteria: Invitae Variant Classification Sherloc (09022015). Collection method: clinical testing. Allele origin: germline.
Comment: This sequence change replaces proline, which is neutral and non-polar, with leucine, which is neutral and non-polar, at codon 537 of the COL18A1 protein (p.Pro537Leu). This variant is present in population databases (rs750422215, gnomAD 0.009%). This variant has not been reported in the literature in individuals affected with COL18A1-related conditions. ClinVar contains an entry for this variant (Variation ID: 1366040). Experimental studies and prediction algorithms are not available or were not evaluated, and the functional significance of this variant is currently unknown. In summary, the available evidence is currently insufficient to determine the role of this variant in disease. Therefore, it has been classified as a Variant of Uncertain Significance.

PreventionGenetics, part of Exact Sciences
Classification: Uncertain significance for COL18A1-related condition. Last evaluated: 2025-04-15. Review status: criteria provided, single submitter. Criteria: ACMG Guidelines, 2015. Collection method: clinical testing. Allele origin: germline.
Comment: The COL18A1 c.2150C>T variant is predicted to result in the amino acid substitution p.Pro717Leu. To our knowledge, this variant has not been reported in the literature. This variant is reported in 0.0088% of alleles in individuals of European (Finnish) descent in gnomAD. At this time, the clinical significance of this variant is uncertain due to the absence of conclusive functional and genetic evidence.